The following is an entry in ClinVar:

NM_001258392.3(CLPB):c.896G>T (p.Arg299Leu)

Gene: CLPB (ClpB family mitochondrial disaggregase; minus strand). Cytogenetic location: 11q13.4.
Variant type: single nucleotide variant.
Coding change: c.896G>T on transcript NM_001258392.3 (MANE Select); coding-DNA position 896, G replaced by T.
Protein change: p.Arg299Leu; replaces arginine 299 with leucine.
Molecular consequence: missense variant.
Genome position (GRCh38, 1-based): chr11:72,317,198, C>A on the plus strand (G>T on the coding strand, the complement: CLPB is on the minus strand). VCF-style: chr11-72317198-C-A. GRCh37 (hg19) VCF-style: chr11-72028242-C-A.
Other names: c.809G>T, p.Arg270Leu (NM_001258393.3); c.851G>T, p.Arg284Leu (NM_001258394.3); c.986G>T, p.Arg329Leu (NM_030813.6); short protein forms R299L, R284L, R329L, R270L.
Identifiers: ClinVar variation 2758919 (VCV002758919.3), dbSNP rs547532550, ClinGen allele CA381738626.
Genomic context (GRCh38, chr11:72,317,198, plus strand): 5'-CCAATGATGTGCTCCTTTAGTCGCTGCTCCAGGGGGAAGCGGCGCCGCTCCTCAGCCTCA[C>A]GCTTCCGCTGCTTCTCTTGGTACTGTGGGGAGAGAGGGCAAATGGTTGAGGGCTGCCGGG-3'
Protein context (NP_001245321.1, residues 289-309): EAKYQEKQRK[Arg299Leu]EAEERRRFPL

ClinVar aggregate classification (germline): Uncertain significance (1 of 4 stars; one submission).

Conditions:
3-methylglutaconic aciduria, type VIIB (MGCA7B). Also called: CLPB Deficiency; 3-methylglutaconic aciduria, type VII, with cataracts, neurologic involvement and neutropenia; 3-methylglutaconic aciduria with cataracts, neurologic involvement and neutropenia. Identifiers: Orphanet 445038, MedGen C5676893, MONDO:0014561, OMIM 616271.

gnomAD v4.1: 2 of 1,611,408 alleles (0.00012%); highest among the groups gnomAD compares: Non-Finnish European, 0.00017%; no homozygotes.

Submission:

Labcorp Genetics (formerly Invitae), Labcorp
Classification: Uncertain significance for 3-methylglutaconic aciduria, type VIIB. Last evaluated: 2023-12-07. Review status: criteria provided, single submitter. Criteria: Invitae Variant Classification Sherloc (09022015). Collection method: clinical testing. Allele origin: germline.
Comment: This sequence change replaces arginine, which is basic and polar, with leucine, which is neutral and non-polar, at codon 329 of the CLPB protein (p.Arg329Leu). This variant is not present in population databases (gnomAD no frequency). This variant has not been reported in the literature in individuals affected with CLPB-related conditions. An algorithm developed to predict the effect of missense changes on protein structure and function (PolyPhen-2) suggests that this variant is likely to be tolerated. In summary, the available evidence is currently insufficient to determine the role of this variant in disease. Therefore, it has been classified as a Variant of Uncertain Significance.